The following is an entry in ClinVar:

ClinVar aggregate classification (germline): Benign/Likely benign. Review status: criteria provided, multiple submitters, no conflicts (2 of 4 stars). 3 submissions from 3 submitters: Benign (2); Likely benign (1). Last evaluated 2026-05-11.

Conditions:
3M syndrome 2. Also called: THREE M SYNDROME 2; 3-M Syndrome, OBSL1-Related. Identifiers: Orphanet 2616, MedGen C2752041, MONDO:0013039, OMIM 612921.

Allele frequency attached by ClinVar (database versions not stated): 1000 Genomes Project 30x 0.01015; 1000 Genomes Project 0.00938.
gnomAD v4.1: 2,514 of 1,588,952 alleles (0.16%); highest among the groups gnomAD compares: African/African-American, 2.9%; 24 homozygotes.

Submissions (3):

Women's Health and Genetics/Laboratory Corporation of America, LabCorp
Classification: Benign. Last evaluated: 2026-05-11. Review status: criteria provided, single submitter. Criteria: LabCorp Variant Classification Summary - May 2015. Collection method: clinical testing. Allele origin: germline.

Labcorp Genetics (formerly Invitae), Labcorp
Classification: Benign. Last evaluated: 2026-02-04. Review status: criteria provided, single submitter. Criteria: Invitae Variant Classification Sherloc (09022015). Collection method: clinical testing. Allele origin: germline.

Illumina Laboratory Services, Illumina
Classification: Likely benign for 3M syndrome 2. Last evaluated: 2017-04-27. Review status: criteria provided, single submitter. Criteria: ICSL Variant Classification Criteria 13 December 2019. Collection method: clinical testing. Allele origin: germline.
Comment: This variant was observed as part of a predisposition screen in an ostensibly healthy population. A literature search was performed for the gene, cDNA change, and amino acid change (where applicable). No publications were found based on this search. Allele frequency data from public databases allowed determination this variant is unlikely to cause disease. Therefore, this variant is classified as likely benign.

NM_015311.3(OBSL1):c.4067-11G>A

Gene: OBSL1 (obscurin like cytoskeletal adaptor 1; minus strand). Cytogenetic location: 2q35.
Variant type: single nucleotide variant.
Coding change: c.4067-11G>A on transcript NM_015311.3 (MANE Select); 11 bases into the intron before coding-DNA position 4067, G replaced by A.
Molecular consequence: intron variant.
Genome position (GRCh38, 1-based): chr2:219,556,734, C>T on the plus strand (G>A on the coding strand, the complement: OBSL1 is on the minus strand). VCF-style: chr2-219556734-C-T. GRCh37 (hg19) VCF-style: chr2-220421456-C-T.
Other names: c.4067-11G>A (NM_001173431.2).
Identifiers: ClinVar variation 334485 (VCV000334485.15), dbSNP rs1983211, ClinGen allele CA2130672.